The following is an entry in ClinVar:

NM_024757.5(EHMT1):c.2530C>T (p.His844Tyr)

Gene: EHMT1 (euchromatic histone lysine methyltransferase 1; plus strand). Cytogenetic location: 9q34.3.
Variant type: single nucleotide variant.
Coding change: c.2530C>T on transcript NM_024757.5 (MANE Select); coding-DNA position 2530, C replaced by T.
Protein change: p.His844Tyr; replaces histidine 844 with tyrosine.
Molecular consequence: missense variant.
Genome position (GRCh38, 1-based): chr9:137,798,837, C>T. VCF-style: chr9-137798837-C-T. GRCh37 (hg19) VCF-style: chr9-140693289-C-T.
Other names: c.2509C>T, p.His837Tyr (NM_001354263.2); short protein forms H837Y, H844Y.
Identifiers: ClinVar variation 981734 (VCV000981734.3), dbSNP rs1953188177, ClinGen allele CA375788023.
Genomic context (GRCh38, chr9:137,798,837, plus strand): 5'-TATGGATTCTTTGACTAAGTGGCATTTCTGTTGCAGGACGCAGAGGGCTCTACGTGTTTG[C>T]ACCTGGCTGCCAAGAAAGGCCACTACGAAGTGGTCCAGTACCTGCTTTCAAATGGACAGA-3'
Protein context (NP_079033.4, residues 834-854): PKDAEGSTCL[His844Tyr]LAAKKGHYEV

ClinVar aggregate classification (germline): Pathogenic. Review status: criteria provided, single submitter (1 of 4 stars). 2 submissions from 2 submitters: Pathogenic (1). 1 of the submissions does not count toward it.

Conditions:
Kleefstra syndrome 1 (KLEFS1). Identifiers: Orphanet 261494, MedGen C0795833, MONDO:0027407, OMIM 610253.

Submissions (2):

Laboratory of Genetics, Children's Clinical University Hospital Latvia
Classification: Pathogenic for Kleefstra syndrome 1. Review status: criteria provided, single submitter. Criteria: ACMG Guidelines, 2015. Collection method: curation. Allele origin: de novo. Affected: yes.
Comment: de novo

Autoinflammatory diseases unit, CHU de Montpellier
Classification: Likely pathogenic for Kleefstra syndrome 1. Last evaluated: 2018-07-03. Review status: no assertion criteria provided. Collection method: clinical testing. Allele origin: unknown. Affected: yes. Not counted in ClinVar's aggregate classification.

Literature cited by the submitters: PubMed 39013458 (cited by Laboratory of Genetics, Children's Clinical University Hospital Latvia).